The following is an entry in ClinVar:

ClinVar aggregate classification (germline): Likely benign (1 of 4 stars; one submission).

Submission:

CeGaT Center for Human Genetics Tuebingen
Classification: Likely benign. Last evaluated: 2024-06-01. Review status: criteria provided, single submitter. Criteria: CeGaT Center For Human Genetics Tuebingen Variant Classification Criteria Version 2. Collection method: clinical testing. Allele origin: germline. Affected: yes. Observed: 1 variant allele.
Comment: SLC9A3: PM2:Supporting, BP4, BP7

NM_004174.4(SLC9A3):c.1557C>T (p.Leu519=)

Genes: SLC9A3-AS1 (SLC9A3 antisense RNA 1; plus strand), SLC9A3 (solute carrier family 9 member A3). Cytogenetic location: 5p15.33.
Variant type: single nucleotide variant.
Coding change: c.1557C>T on transcript NM_004174.4 (MANE Select); coding-DNA position 1557, C replaced by T.
Protein change: p.Leu519=; no amino-acid change (leucine 519 retained).
Molecular consequence: synonymous variant. On other transcripts: non-coding transcript variant (1).
Genome position (GRCh38, 1-based): chr5:479,926, G>A on the plus strand (C>T on the coding strand, the complement: SLC9A3 is on the minus strand). VCF-style: chr5-479926-G-A. GRCh37 (hg19) VCF-style: chr5-480041-G-A.
Other names: c.1530C>T, p.Leu510= (NM_001284351.3).
Identifiers: ClinVar variation 3251019 (VCV003251019.18), dbSNP rs2477568439.